The following is an entry in ClinVar:

NM_001903.5(CTNNA1):c.995G>T (p.Arg332Leu)

Gene: CTNNA1 (catenin alpha 1; plus strand). Cytogenetic location: 5q31.2.
Variant type: single nucleotide variant.
Coding change: c.995G>T on transcript NM_001903.5 (MANE Select); coding-DNA position 995, G replaced by T.
Protein change: p.Arg332Leu; replaces arginine 332 with leucine.
Molecular consequence: missense variant.
Genome position (GRCh38, 1-based): chr5:138,827,651, G>T. VCF-style: chr5-138827651-G-T. GRCh37 (hg19) VCF-style: chr5-138163340-G-T.
Other names: c.995G>T, p.Arg332Leu (NM_001290307.3, NM_001323982.2, NM_001323983.1 and 3 more transcripts); c.686G>T, p.Arg229Leu (NM_001290309.3); c.626G>T, p.Arg209Leu (NM_001290310.3); c.995G>T (NM_001903.2); short protein forms R209L, R229L, R332L.
Identifiers: ClinVar variation 1059456 (VCV001059456.10), dbSNP rs1215333067, ClinGen allele CA361131105.

ClinVar aggregate classification (germline): Uncertain significance. Review status: criteria provided, multiple submitters, no conflicts (2 of 4 stars). 2 submissions from 2 submitters: Uncertain significance (2). Last evaluated 2022-12-12.

Conditions:
Hereditary cancer-predisposing syndrome. Also called: Neoplastic Syndromes, Hereditary; Hereditary Cancer Syndrome; Hereditary neoplastic syndrome; Tumor predisposition. Identifiers: Orphanet 140162, MedGen C0027672, MeSH D009386, MONDO:0015356.

gnomAD v4.1: 1 of 1,614,214 alleles (0.000062%); highest among the groups gnomAD compares: Non-Finnish European, 0.000085%; no homozygotes.

Submissions (2):

Ambry Genetics
Classification: Uncertain significance for Hereditary cancer-predisposing syndrome. Last evaluated: 2022-12-12. Review status: criteria provided, single submitter. Criteria: Ambry Variant Classification Scheme 2023. Collection method: clinical testing. Allele origin: germline.
Comment: The p.R332L variant (also known as c.995G>T), located in coding exon 6 of the CTNNA1 gene, results from a G to T substitution at nucleotide position 995. The arginine at codon 332 is replaced by leucine, an amino acid with dissimilar properties. This amino acid position is conserved. In addition, this alteration is predicted to be deleterious by in silico analysis. Since supporting evidence is limited at this time, the clinical significance of this alteration remains unclear.

Labcorp Genetics (formerly Invitae), Labcorp
Classification: Uncertain significance. Last evaluated: 2020-05-25. Review status: criteria provided, single submitter. Criteria: Invitae Variant Classification Sherloc (09022015). Collection method: clinical testing. Allele origin: germline.
Comment: In summary, the available evidence is currently insufficient to determine the role of this variant in disease. Therefore, it has been classified as a Variant of Uncertain Significance. Algorithms developed to predict the effect of missense changes on protein structure and function are either unavailable or do not agree on the potential impact of this missense change (SIFT: "Deleterious"; PolyPhen-2: "Probably Damaging"; Align-GVGD: "Class C0"). This variant has not been reported in the literature in individuals with CTNNA1-related conditions. This variant is not present in population databases (ExAC no frequency). This sequence change replaces arginine with leucine at codon 332 of the CTNNA1 protein (p.Arg332Leu). The arginine residue is highly conserved and there is a moderate physicochemical difference between arginine and leucine.